The following is an entry in ClinVar:

NM_145725.3(TRAF3):c.1194C>T (p.Arg398=)

Gene: TRAF3 (TNF receptor associated factor 3; plus strand). Cytogenetic location: 14q32.32.
Variant type: single nucleotide variant.
Coding change: c.1194C>T on transcript NM_145725.3 (MANE Select); coding-DNA position 1194, C replaced by T.
Protein change: p.Arg398=; no amino-acid change (arginine 398 retained).
Molecular consequence: synonymous variant.
Genome position (GRCh38, 1-based): chr14:102,905,271, C>T. VCF-style: chr14-102905271-C-T. GRCh37 (hg19) VCF-style: chr14-103371608-C-T.
Other names: c.945C>T, p.Arg315= (NM_001199427.2); c.1053C>T, p.Arg351= (NM_001385142.1); c.1113C>T, p.Arg371= (NM_001385143.1); c.1194C>T, p.Arg398= (NM_003300.4); c.1119C>T, p.Arg373= (NM_145726.3).
Identifiers: ClinVar variation 712835 (VCV000712835.16), dbSNP rs151258452, ClinGen allele CA7359578.

ClinVar aggregate classification (germline): Likely benign. Review status: criteria provided, multiple submitters, no conflicts (2 of 4 stars). 5 submissions from 5 submitters: Likely benign (2). 3 of the submissions do not count toward it. Last evaluated 2026-01-25.

Conditions:
Immunodeficiency 132A. Also called: Herpes simplex encephalitis, susceptibility to, 3. Identifiers: Orphanet 1930, MedGen C3553868, MONDO:0013920, OMIM 614849.
TRAF3-related disorder. Also called: TRAF3 related condition.

Allele frequency attached by ClinVar (database versions not stated): TOPMed 0.00028; gnomAD 0.00033 and 0.00036; ESP Exome Variant Server 0.00023; gnomAD exomes 0.00047 and 0.00051; ExAC 0.00062.
gnomAD v4.1: 789 of 1,614,238 alleles (0.049%); highest among the groups gnomAD compares: Non-Finnish European, 0.063%; 1 homozygote.

Submissions (5):

Labcorp Genetics (formerly Invitae), Labcorp
Classification: Likely benign for Immunodeficiency 132A. Last evaluated: 2026-01-25. Review status: criteria provided, single submitter. Criteria: Invitae Variant Classification Sherloc (09022015). Collection method: clinical testing. Allele origin: germline.

Breakthrough Genomics
Classification: Likely benign. Review status: criteria provided, single submitter. Criteria: ACMG Guidelines, 2015. Collection method: not provided. Allele origin: germline. Inheritance: Unknown mechanism. Affected: yes.

PreventionGenetics, part of Exact Sciences
Classification: Likely benign for TRAF3-related condition. Last evaluated: 2024-06-07. Review status: no assertion criteria provided. Collection method: clinical testing. Allele origin: germline. Not counted in ClinVar's aggregate classification.
Comment: This variant is classified as likely benign based on ACMG/AMP sequence variant interpretation guidelines (Richards et al. 2015 PMID: 25741868, with internal and published modifications).

Clinical Genetics DNA and cytogenetics Diagnostics Lab, Erasmus MC, Erasmus Medical Center
Classification: Likely benign. Review status: no assertion criteria provided. Collection method: clinical testing. Allele origin: germline. Affected: yes. Study: VKGL Data-share Consensus. Not counted in ClinVar's aggregate classification.

Genome Diagnostics Laboratory, University Medical Center Utrecht
Classification: Likely benign. Review status: no assertion criteria provided. Collection method: clinical testing. Allele origin: germline. Affected: yes. Study: VKGL Data-share Consensus. Not counted in ClinVar's aggregate classification.